The following is an entry in ClinVar:

ClinVar aggregate classification (germline): Uncertain significance (1 of 4 stars; one submission).

Submission:

Labcorp Genetics (formerly Invitae), Labcorp
Classification: Uncertain significance. Last evaluated: 2024-10-16. Review status: criteria provided, single submitter. Criteria: Invitae Variant Classification Sherloc (09022015). Collection method: clinical testing. Allele origin: germline.
Comment: This sequence change replaces arginine, which is basic and polar, with serine, which is neutral and polar, at codon 1461 of the ABCC6 protein (p.Arg1461Ser). Information on the frequency of this variant in the gnomAD database is not available, as this variant may be reported differently in the database. This variant has not been reported in the literature in individuals affected with ABCC6-related conditions. ClinVar contains an entry for this variant (Variation ID: 1435267). Experimental studies and prediction algorithms are not available or were not evaluated, and the functional significance of this variant is currently unknown. In summary, the available evidence is currently insufficient to determine the role of this variant in disease. Therefore, it has been classified as a Variant of Uncertain Significance.

NM_001171.6(ABCC6):c.4380_4381delinsAA (p.Arg1461Ser)

Genes: ABCC6 (ATP binding cassette subfamily C member 6; minus strand), LOC125146421 (Sharpr-MPRA regulatory region 15590; plus strand). Cytogenetic location: 16p13.11.
Variant type: Indel.
Coding change: c.4380_4381delinsAA on transcript NM_001171.6 (MANE Select); coding-DNA positions 4380 to 4381, GC replaced by AA.
Protein change: p.Arg1461Ser; replaces arginine 1461 with serine.
Molecular consequence: missense variant. On other transcripts: non-coding transcript variant (1).
Genome position (GRCh38, 1-based): chr16:16,150,600-16,150,601, GC replaced by TT on the plus strand (GC replaced by AA on the coding strand, the reverse complement: ABCC6 is on the minus strand). VCF-style: chr16-16150600-GC-TT. GRCh37 (hg19) VCF-style: chr16-16244457-GC-TT.
Other names: c.4038_4039delinsAA, p.Arg1347Ser (NM_001351800.1); short protein forms R1347S, R1461S.
Identifiers: ClinVar variation 1435267 (VCV001435267.8), dbSNP rs2152207337, ClinGen allele CA2573151853.